The following is an entry in ClinVar:

ClinVar aggregate classification (germline): Pathogenic (1 of 4 stars; one submission).

Conditions:
Alport syndrome. Also called: Hemorrhagic familial nephritis; Hemorrhagic hereditary nephritis; Congenital hereditary hematuria. Identifiers: Orphanet 63, MedGen C1567741, MONDO:0018965.

Submission:

Myriad Genetics, Inc.
Classification: Pathogenic for Alport syndrome. Last evaluated: 2024-10-19. Review status: criteria provided, single submitter. Criteria: Myriad Autosomal Dominant, Autosomal Recessive and X-Linked Classification Criteria (2023). Collection method: clinical testing. Allele origin: unknown.
Comment: NM_000092.4(COL4A4):c.2430_2437del8(R811Tfs*16) is expected to be pathogenic in the context of Alport syndrome, COL4A4-related. This variant is predicted to lead to an abnormal or absent protein product due to the creation of a premature termination codon in COL4A4, a gene where loss-of-function variants are known to be pathogenic. Please note: this variant was assessed in the context of healthy population screening.

NM_000092.5(COL4A4):c.2430_2437del (p.Arg811fs)

Gene: COL4A4 (collagen type IV alpha 4 chain; minus strand). Cytogenetic location: 2q36.3.
Variant type: Deletion.
Coding change: c.2430_2437del on transcript NM_000092.5 (MANE Select); coding-DNA positions 2430 to 2437, 8 bases deleted (CAGAGAGG; older notation c.2430_2437delCAGAGAGG).
Protein change: p.Arg811fs; shifts the reading frame from arginine 811.
Molecular consequence: frameshift variant.
Genome position (GRCh38, 1-based): chr2:227,057,547-227,057,554, CCTCTCTG deleted on the plus strand (CAGAGAGG on the coding strand, the reverse complement: COL4A4 is on the minus strand); deleting any 8 consecutive bases within chr2:227,057,547-227,057,557 gives the same sequence; the c. name uses the placement nearest the transcript's 3' end. VCF-style (leftmost placement, unchanged base first): chr2-227057546-CCCTCTCTG-C. GRCh37 (hg19) VCF-style: chr2-227922262-CCCTCTCTG-C.
Other names: short protein forms R811fs.
Identifiers: ClinVar variation 5013657 (VCV005013657.1).